The following is an entry in ClinVar:

ClinVar aggregate classification (germline): Uncertain significance. Review status: criteria provided, multiple submitters, no conflicts (2 of 4 stars). 2 submissions from 2 submitters: Uncertain significance (2). Last evaluated 2024-11-02.

Allele frequency attached by ClinVar (database versions not stated): gnomAD exomes 0.00007; ExAC 0.00002; gnomAD 0.00003; ESP Exome Variant Server 0.00008; TOPMed 0.00005.
gnomAD v4.1: 104 of 1,613,960 alleles (0.0064%); highest among the groups gnomAD compares: Non-Finnish European, 0.0081%; no homozygotes.

Submissions (2):

Labcorp Genetics (formerly Invitae), Labcorp
Classification: Uncertain significance. Last evaluated: 2024-11-02. Review status: criteria provided, single submitter. Criteria: Invitae Variant Classification Sherloc (09022015). Collection method: clinical testing. Allele origin: germline.
Comment: This sequence change replaces methionine, which is neutral and non-polar, with valine, which is neutral and non-polar, at codon 3813 of the HMCN1 protein (p.Met3813Val). This variant is present in population databases (rs146420724, gnomAD 0.008%). This variant has not been reported in the literature in individuals affected with HMCN1-related conditions. ClinVar contains an entry for this variant (Variation ID: 2078448). An algorithm developed to predict the effect of missense changes on protein structure and function outputs the following: PolyPhen-2: "Benign". The valine amino acid residue is found in multiple mammalian species, which suggests that this missense change does not adversely affect protein function. In summary, the available evidence is currently insufficient to determine the role of this variant in disease. Therefore, it has been classified as a Variant of Uncertain Significance.

Ambry Genetics
Classification: Uncertain significance. Last evaluated: 2024-03-22. Review status: criteria provided, single submitter. Criteria: Ambry Variant Classification Scheme 2023. Collection method: clinical testing. Allele origin: germline.

NM_031935.3(HMCN1):c.11437A>G (p.Met3813Val)

Gene: HMCN1 (hemicentin 1; plus strand). Cytogenetic location: 1q31.1.
Variant type: single nucleotide variant.
Coding change: c.11437A>G on transcript NM_031935.3 (MANE Select); coding-DNA position 11437, A replaced by G.
Protein change: p.Met3813Val; replaces methionine 3813 with valine.
Molecular consequence: missense variant.
Genome position (GRCh38, 1-based): chr1:186,115,290, A>G. VCF-style: chr1-186115290-A-G. GRCh37 (hg19) VCF-style: chr1-186084422-A-G.
Other names: c.11437A>G (NM_031935.2); short protein forms M3813V.
Identifiers: ClinVar variation 2078448 (VCV002078448.5), dbSNP rs146420724, ClinGen allele CA1294051.